The following is an entry in ClinVar:

ClinVar aggregate classification (germline): Likely benign. Review status: criteria provided, multiple submitters, no conflicts (2 of 4 stars). 2 submissions from 2 submitters: Likely benign (2). Last evaluated 2026-07-29.

Conditions:
Hajdu-Cheney syndrome (HJCYS). Also called: ACROOSTEOLYSIS WITH OSTEOPOROSIS AND CHANGES IN SKULL AND MANDIBLE; Acroosteolysis dominant type; SERPENTINE FIBULA-POLYCYSTIC KIDNEY SYNDROME. Identifiers: Orphanet 955, MedGen C0917715, MONDO:0007057, OMIM 102500.
NOTCH2-related disorder. Also called: NOTCH2-related condition.

Allele frequency attached by ClinVar (database versions not stated): ExAC 0.00001; gnomAD exomes 0.00001 and 0.00009; gnomAD 0.00002; TOPMed 0.00002.
gnomAD v4.1: 124 of 1,613,982 alleles (0.0077%); highest among the groups gnomAD compares: Non-Finnish European, 0.01%; no homozygotes.

Submissions (2):

PreventionGenetics, part of Exact Sciences
Classification: Likely benign for NOTCH2-related condition. Last evaluated: 2026-07-29. Review status: criteria provided, single submitter. Criteria: ACMG Guidelines, 2015. Collection method: clinical testing. Allele origin: germline.
Comment: This variant is classified as likely benign based on ACMG/AMP sequence variant interpretation guidelines (Richards et al. 2015 PMID: 25741868, with internal and published modifications).

Labcorp Genetics (formerly Invitae), Labcorp
Classification: Likely benign for Hajdu-Cheney syndrome. Last evaluated: 2025-11-19. Review status: criteria provided, single submitter. Criteria: Invitae Variant Classification Sherloc (09022015). Collection method: clinical testing. Allele origin: germline.

NM_024408.4(NOTCH2):c.3450C>T (p.Leu1150=)

Gene: NOTCH2 (notch receptor 2; minus strand). Cytogenetic location: 1p12.
Variant type: single nucleotide variant.
Coding change: c.3450C>T on transcript NM_024408.4 (MANE Select); coding-DNA position 3450, C replaced by T.
Protein change: p.Leu1150=; no amino-acid change (leucine 1150 retained).
Molecular consequence: synonymous variant.
Genome position (GRCh38, 1-based): chr1:119,937,354, G>A on the plus strand (C>T on the coding strand, the complement: NOTCH2 is on the minus strand). VCF-style: chr1-119937354-G-A. GRCh37 (hg19) VCF-style: chr1-120479977-G-A.
Other names: c.3450C>T, p.Leu1150= (NM_001200001.2); c.3450C>T (NM_024408.3).
Identifiers: ClinVar variation 1590138 (VCV001590138.9), dbSNP rs781818195, ClinGen allele CA1040065.